The following is an entry in ClinVar:

NM_000548.5(TSC2):c.3170C>T (p.Thr1057Ile)

Gene: TSC2 (TSC complex subunit 2; plus strand). Cytogenetic location: 16p13.3.
Variant type: single nucleotide variant.
Coding change: c.3170C>T on transcript NM_000548.5 (MANE Select); coding-DNA position 3170, C replaced by T.
Protein change: p.Thr1057Ile; replaces threonine 1057 with isoleucine.
Molecular consequence: missense variant.
Genome position (GRCh38, 1-based): chr16:2,079,314, C>T. VCF-style: chr16-2079314-C-T. GRCh37 (hg19) VCF-style: chr16-2129315-C-T.
Other names: c.3038C>T, p.Thr1013Ile (NM_001077183.3, NM_001370404.1); c.3170C>T, p.Thr1057Ile (NM_001114382.3); c.2930C>T, p.Thr977Ile (NM_001318827.2); c.2894C>T, p.Thr965Ile (NM_001318829.2); c.2438C>T, p.Thr813Ile (NM_001318831.2); c.3071C>T, p.Thr1024Ile (NM_001318832.2); c.3041C>T, p.Thr1014Ile (NM_001363528.2, NM_001370405.1, NM_021055.3); short protein forms T977I, T1013I, T1014I, T965I, T1024I, T1057I, T813I.
Identifiers: ClinVar variation 823063 (VCV000823063.5), dbSNP rs1596383758, ClinGen allele CA394285450.

ClinVar aggregate classification (germline): Uncertain significance. Review status: criteria provided, multiple submitters, no conflicts (2 of 4 stars). 2 submissions from 2 submitters: Uncertain significance (2). Last evaluated 2023-06-28.

Conditions:
Tuberous sclerosis syndrome (TSC). Also called: Tuberous Sclerosis Complex; Tuberous sclerosis. Identifiers: Orphanet 805, MedGen C0041341, MONDO:0001734.
Hereditary cancer-predisposing syndrome. Also called: Hereditary Cancer Syndrome; Neoplastic Syndromes, Hereditary; Hereditary neoplastic syndrome; Tumor predisposition. Identifiers: Orphanet 140162, MedGen C0027672, MeSH D009386, MONDO:0015356.

Submissions (2):

All of Us Research Program, National Institutes of Health
Classification: Uncertain significance for Tuberous sclerosis syndrome. Last evaluated: 2023-06-28. Review status: criteria provided, single submitter. Criteria: ACMG Guidelines, 2015. Collection method: clinical testing. Allele origin: germline. Inheritance: Autosomal dominant inheritance. Observed: 1 variant allele, 1 heterozygote.
Comment: This study involves interpretation of variants in research participants for the purpose of population health screening. Participant phenotype was not available at the time of variant classification. Additional details can be found in publication PMID: 35346344, PMCID: PMC8962531

Ambry Genetics
Classification: Uncertain significance for Hereditary cancer-predisposing syndrome. Last evaluated: 2019-03-06. Review status: criteria provided, single submitter. Criteria: Ambry Variant Classification Scheme 2023. Collection method: clinical testing. Allele origin: germline.
Comment: The p.T1057I variant (also known as c.3170C>T), located in coding exon 27 of the TSC2 gene, results from a C to T substitution at nucleotide position 3170. The threonine at codon 1057 is replaced by isoleucine, an amino acid with similar properties. This amino acid position is not well conserved in available vertebrate species. In addition, this alteration is predicted to be deleterious by in silico analysis. Since supporting evidence is limited at this time, the clinical significance of this alteration remains unclear.